The following is an entry in ClinVar:

ClinVar aggregate classification (germline): Likely pathogenic. Review status: reviewed by expert panel (3 of 4 stars). 4 submissions from 4 submitters: Likely pathogenic (1). 3 of the submissions do not count toward it. Last evaluated 2024-05-09.

Conditions:
Complex neurodevelopmental disorder. Identifiers: Orphanet 528084, MedGen C5568766, MONDO:0100038.
Developmental and epileptic encephalopathy, 13 (DEE13). Also called: SCN8A-Related Epilepsy; Developmental and Epileptic Encephalopathy (SCN8A-DEE); Early infantile epileptic encephalopathy 13. Identifiers: Orphanet 442835, MedGen C3281191, MONDO:0013801, OMIM 614558.

Submissions (4):

ClinGen Epilepsy Sodium Channel Variant Curation Expert Panel, Clingen
Classification: Likely pathogenic for Complex neurodevelopmental disorder. Last evaluated: 2024-05-09. Review status: reviewed by expert panel. Criteria: ClinGen EpilepsySCN ACMG Specifications SCN8A V1.0.0. Collection method: curation. Allele origin: germline. Inheritance: Autosomal dominant inheritance.
Comment: The c.3953A>G variant in SCN8A is a missense variant predicted to cause substitution of asparagine by serine at amino acid 1318 (p.Asn1318Ser). This variant has been reported as de novo with confirmed parental relationships in 2 individuals (PMID: 30968951, 31672125) and de novo with unconfirmed parental relationships in 1 individual (PMID: 35230384) with consistent phenotypes (PS2, PM6_Supporting). A novel missense variant at the same position in the paralogous gene, SCN1A (p.Asn1338Thr) has been reported as pathogenic, however, two novel missense variants are required to meet PM5_Supporting so this criterion was not applied. This variant is absent from the population database, gnomAD v2.1.1 (PM2_Supporting). The computational predictor REVEL gives a score of 0.832, which is above the threshold of 0.773, evidence that correlates with a strength of PP3_Moderate. In summary, this variant meets the criteria to be classified as likely pathogenic for autosomal dominant complex neurodevelopmental disorder based on the ACMG/AMP criteria applied, as specified by the ClinGen Epilepsy Sodium Channel VCEP: PS2, PM6_Supporting, PM2_Supporting, PP3_Moderate (version 1.0; approved 5/23/23).

Victorian Clinical Genetics Services, Murdoch Childrens Research Institute
Classification: Pathogenic for Developmental and epileptic encephalopathy, 13. Last evaluated: 2023-07-17. Review status: criteria provided, single submitter. Criteria: ACMG Guidelines, 2015. Collection method: clinical testing. Allele origin: germline. Inheritance: Autosomal dominant inheritance. Affected: yes. Not counted in ClinVar's aggregate classification.
Comment: Based on the classification scheme VCGS_Germline_v1.3.4, this variant is classified as Pathogenic. Following criteria are met: 0103 - Loss of function and gain of function are known mechanisms of disease in this gene, and are associated with cognitive impairment with or without cerebellar ataxia (MIM#614306), and developmental and epileptic encephalopathy 13 (MIM#614558), respectively. In addition, gain of function is speculated for benign familial infantile seizures, 5 (MIM#617080) (PMID: 31904124, OMIM). (I) 0107 - This gene is associated with autosomal dominant disease. (I) 0200 - Variant is predicted to result in a missense amino acid change from asparagine to serine. (I) 0251 - This variant is heterozygous. (I) 0301 - Variant is absent from gnomAD (both v2 and v3). (SP) 0501 - Missense variant consistently predicted to be damaging by multiple in silico tools or highly conserved with a major amino acid change. (SP) 0600 - Variant is located in the annotated LINKER position between the S4 and S5 segments in the third transmembrane domain (PMID: 31672125). (I) 0801 - This variant has strong previous evidence of pathogenicity in unrelated individuals. This variant has been reported as pathogenic (ClinVar), and observed in at least two individuals with early infantile epileptic encephalopathy or epilepsy where the variant was confirmed to be de novo (PMID: 35230384, PMID: 31672125, PMID: 30968951). (SP) Legend: (SP) - Supporting pathogenic, (I) - Information, (SB) - Supporting benign

Institute of Medical Genetics and Applied Genomics, University Hospital Tübingen
Classification: Pathogenic. Last evaluated: 2020-10-23. Review status: criteria provided, single submitter. Criteria: ACMG Guidelines, 2015. Collection method: clinical testing. Allele origin: germline. Inheritance: Autosomal dominant inheritance. Affected: yes. Not counted in ClinVar's aggregate classification.

National Institute for Data Science in Health and Medicine, School of Medicine, Xiamen University
Classification: Pathogenic for Early infantile epileptic encephalopathy 13. Last evaluated: 2019-09-05. Review status: criteria provided, single submitter. Criteria: ACMG Guidelines, 2015. Collection method: case-control. Allele origin: de novo. Affected: yes. Observed: 1 hemizygote. Not counted in ClinVar's aggregate classification.
Comment: Bioinformatic analysis indicates the pathogenicity of this mutation. In summary, the c.3953A>G variant in SCN8A meets our criteria to be classified as pathogenic based on ACMG guidelines, 2015.

Literature cited by the submitters: PubMed 30968951 (cited by Victorian Clinical Genetics Services, Murdoch Childrens Research Institute); PubMed 31672125 (cited by Victorian Clinical Genetics Services, Murdoch Childrens Research Institute); PubMed 31904124 (cited by Victorian Clinical Genetics Services, Murdoch Childrens Research Institute); PubMed 35230384 (cited by Victorian Clinical Genetics Services, Murdoch Childrens Research Institute).

NM_001330260.2(SCN8A):c.3953A>G (p.Asn1318Ser)

Gene: SCN8A (sodium voltage-gated channel alpha subunit 8; plus strand). Cytogenetic location: 12q13.13.
Variant type: single nucleotide variant.
Coding change: c.3953A>G on transcript NM_001330260.2 (MANE Select); coding-DNA position 3953, A replaced by G.
Protein change: p.Asn1318Ser; replaces asparagine 1318 with serine.
Molecular consequence: missense variant.
Genome position (GRCh38, 1-based): chr12:51,786,552, A>G. VCF-style: chr12-51786552-A-G. GRCh37 (hg19) VCF-style: chr12-52180336-A-G.
Other names: NM_001330260.2(SCN8A):c.3953A>G; p.Asn1318Ser; c.3953A>G, p.Asn1318Ser (NM_014191.4); c.3953A>G (NM_001330260.1); c.3830A>G, p.Asn1277Ser (NM_001177984.3, NM_001369788.1); short protein forms N1277S, N1318S.
Identifiers: ClinVar variation 694309 (VCV000694309.5), dbSNP rs1592162430, ClinGen allele CA384904367.